The following is an entry in ClinVar:

ClinVar aggregate classification (germline): Benign. Review status: criteria provided, multiple submitters, no conflicts (2 of 4 stars). 4 submissions from 4 submitters: Benign (4). Last evaluated 2026-01-26.

Conditions:
Brachydactyly. Also called: Brachydactyly syndrome; Brachydactyly (disease). Identifiers: MedGen C0221357, MONDO:0021004, HP:0001156.
Acromesomelic dysplasia 3 (AMD3). Also called: CHONDRODYSPLASIA, ACROMESOMELIC, WITH OR WITHOUT GENITAL ANOMALIES; Acromesomelic dysplasia, Demirhan type. Identifiers: MedGen C4225404, MONDO:0012274, OMIM 609441.
Type A2 brachydactyly (BDA2). Also called: BRACHYMESOPHALANGY II; MOHR-WRIEDT TYPE BRACHYDACTYLY; Brachymesophalangy type 2. Identifiers: Orphanet 93396, MedGen C1832702, MONDO:0007216, OMIM 112600, HP:0009372.

Allele frequency attached by ClinVar (database versions not stated): 1000 Genomes Project 30x 0.40240; 1000 Genomes Project 0.40415; TOPMed 0.45041; gnomAD 0.45277 and 0.45482; gnomAD exomes 0.53920.
gnomAD v4.1: 643,195 of 1,217,530 alleles (53%); highest among the groups gnomAD compares: Admixed American, 63%; 174,924 homozygotes.

Submissions (4):

Labcorp Genetics (formerly Invitae), Labcorp
Classification: Benign for Type A2 brachydactyly; Acromesomelic dysplasia 3. Last evaluated: 2026-01-26. Review status: criteria provided, single submitter. Criteria: Invitae Variant Classification Sherloc (09022015). Collection method: clinical testing. Allele origin: germline.

GeneDx
Classification: Benign. Last evaluated: 2018-09-04. Review status: criteria provided, single submitter. Criteria: GeneDx Variant Classification Process June 2021. Collection method: clinical testing. Allele origin: germline. Affected: yes.
Comment: This variant is associated with the following publications: (PMID: 24339876, 21556765, 19738052)

Illumina Laboratory Services, Illumina
Classification: Benign for Brachydactyly. Last evaluated: 2018-03-06. Review status: criteria provided, single submitter. Criteria: ICSL Variant Classification Criteria 13 December 2019. Collection method: clinical testing. Allele origin: germline.
Comment: This variant was observed in the ICSL laboratory as part of a predisposition screen in an ostensibly healthy population. It had not been previously curated by ICSL or reported in the Human Gene Mutation Database (HGMD: prior to June 1st, 2018), and was therefore a candidate for classification through an automated scoring system. Utilizing variant allele frequency, disease prevalence and penetrance estimates, and inheritance mode, an automated score was calculated to assess if this variant is too frequent to cause the disease. Based on the score and internal cut-off values, a variant classified as benign is not then subjected to further curation. The score for this variant resulted in a classification of benign for this disease.

Breakthrough Genomics
Classification: Benign. Review status: criteria provided, single submitter. Criteria: ACMG Guidelines, 2015. Collection method: not provided. Allele origin: germline. Inheritance: Autosomal recessive inheritance. Affected: yes.

NM_001203.3(BMPR1B):c.*141C>T

Gene: BMPR1B (bone morphogenetic protein receptor type 1B; plus strand). Cytogenetic location: 4q22.3.
Variant type: single nucleotide variant.
Coding change: c.*141C>T on transcript NM_001203.3 (MANE Select); 141 bases downstream of the stop codon, C replaced by T.
Molecular consequence: 3 prime UTR variant.
Genome position (GRCh38, 1-based): chr4:95,154,814, C>T. VCF-style: chr4-95154814-C-T. GRCh37 (hg19) VCF-style: chr4-96075965-C-T.
Other names: c.*141C>T (NM_001256792.2, NM_001256793.2, NM_001256794.1).
Identifiers: ClinVar variation 350131 (VCV000350131.26), dbSNP rs1434536, ClinGen allele CA10619606.